The following is an entry in ClinVar:

ClinVar aggregate classification (germline): Uncertain significance. Review status: criteria provided, multiple submitters, no conflicts (2 of 4 stars). 3 submissions from 3 submitters: Uncertain significance (3). Last evaluated 2025-12-05.

Conditions:
Hereditary angioedema type 3 (HAE3). Also called: ESTROGEN-RELATED HAE; ESTROGEN-SENSITIVE HAE; HAE WITH NORMAL C1 INHIBITOR CONCENTRATION AND FUNCTION; ANGIONEUROTIC EDEMA, HEREDITARY, WITH NORMAL C1 INHIBITOR CONCENTRATION AND FUNCTION. Identifiers: Orphanet 100054, MedGen C1857728, MONDO:0012526, OMIM 610618.

Allele frequency attached by ClinVar (database versions not stated): ExAC 0.00008; gnomAD exomes 0.00009 and 0.00018; gnomAD 0.00046 and 0.00048; 1000 Genomes Project 30x 0.00078; 1000 Genomes Project 0.00080; TOPMed 0.00086.
gnomAD v4.1: 219 of 1,611,710 alleles (0.014%); highest among the groups gnomAD compares: Middle Eastern, 0.22%; 1 homozygote.

Submissions (3):

Labcorp Genetics (formerly Invitae), Labcorp
Classification: Uncertain significance. Last evaluated: 2025-12-05. Review status: criteria provided, single submitter. Criteria: Invitae Variant Classification Sherloc (09022015). Collection method: clinical testing. Allele origin: germline.
Comment: This sequence change replaces glutamine, which is neutral and polar, with histidine, which is basic and polar, at codon 370 of the ANGPT1 protein (p.Gln370His). This variant is present in population databases (rs200226727, gnomAD 0.1%), and has an allele count higher than expected for a pathogenic variant. This variant has not been reported in the literature in individuals affected with ANGPT1-related conditions. ClinVar contains an entry for this variant (Variation ID: 979220). An algorithm developed to predict the effect of missense changes on protein structure and function (PolyPhen-2) suggests that this variant is likely to be tolerated. In summary, the available evidence is currently insufficient to determine the role of this variant in disease. Therefore, it has been classified as a Variant of Uncertain Significance.

Division of Rheumatology, Allergy and Immunology, UCSD
Classification: Uncertain significance for Hereditary angioedema type 3. Last evaluated: 2020-08-25. Review status: criteria provided, single submitter. Criteria: ACMG Guidelines, 2015. Collection method: research. Allele origin: somatic. Affected: yes. Observed: 8 variant alleles.
Comment: Identified in patients with clinical diagnosis of hereditary angioedema with normal C1-INH

Breakthrough Genomics
Classification: Uncertain significance. Review status: criteria provided, single submitter. Criteria: ACMG Guidelines, 2015. Collection method: not provided. Allele origin: germline. Inheritance: Autosomal recessive inheritance. Affected: yes.

NM_001146.5(ANGPT1):c.1110G>C (p.Gln370His)

Gene: ANGPT1 (angiopoietin 1; minus strand). Cytogenetic location: 8q23.1.
Variant type: single nucleotide variant.
Coding change: c.1110G>C on transcript NM_001146.5 (MANE Select); coding-DNA position 1110, G replaced by C.
Protein change: p.Gln370His; replaces glutamine 370 with histidine.
Molecular consequence: missense variant.
Genome position (GRCh38, 1-based): chr8:107,284,777, C>G on the plus strand (G>C on the coding strand, the complement: ANGPT1 is on the minus strand). VCF-style: chr8-107284777-C-G. GRCh37 (hg19) VCF-style: chr8-108297005-C-G.
Other names: c.510G>C, p.Gln170His (NM_001314051.2); c.1107G>C, p.Gln369His (NM_001199859.3); short protein forms Q170H, Q369H, Q370H.
Identifiers: ClinVar variation 979220 (VCV000979220.9), dbSNP rs200226727, ClinGen allele CA4841186.